The following is an entry in ClinVar:

NM_000059.4(BRCA2):c.5258C>T (p.Ser1753Phe)

Gene: BRCA2 (BRCA2 DNA repair associated; plus strand). Cytogenetic location: 13q13.1.
Variant type: single nucleotide variant.
Coding change: c.5258C>T on transcript NM_000059.4 (MANE Select); coding-DNA position 5258, C replaced by T.
Protein change: p.Ser1753Phe; replaces serine 1753 with phenylalanine.
Molecular consequence: missense variant.
Genome position (GRCh38, 1-based): chr13:32,339,613, C>T. VCF-style: chr13-32339613-C-T. GRCh37 (hg19) VCF-style: chr13-32913750-C-T.
Other names: short protein forms S1753F.
Identifiers: ClinVar variation 628188 (VCV000628188.5), dbSNP rs1566232073, ClinGen allele CA387784722.

ClinVar aggregate classification (germline): Conflicting classifications of pathogenicity. Review status: criteria provided, conflicting classifications (1 of 4 stars). 2 submissions from 2 submitters: Uncertain significance (1); Likely benign (1). Last evaluated 2023-03-23.

Conditions:
Hereditary cancer-predisposing syndrome. Also called: Neoplastic Syndromes, Hereditary; Tumor predisposition; Hereditary neoplastic syndrome; Hereditary Cancer Syndrome. Identifiers: Orphanet 140162, MedGen C0027672, MeSH D009386, MONDO:0015356.

Submissions (2):

University of Washington Department of Laboratory Medicine, University of Washington
Classification: Likely benign for Hereditary cancer-predisposing syndrome. Last evaluated: 2023-03-23. Review status: criteria provided, single submitter. Criteria: Dines et al. (Genet Med. 2020). Collection method: curation. Allele origin: germline.
Comment: Missense variant in a coldspot region where missense variants are very unlikely to be pathogenic (PMID:31911673).

BRCA2 exon 11 coldspot. Reclassification based on statistical prior probability.

Color Diagnostics, LLC DBA Color Health
Classification: Uncertain significance for Hereditary cancer-predisposing syndrome. Last evaluated: 2019-05-08. Review status: criteria provided, single submitter. Criteria: ACMG Guidelines, 2015. Collection method: clinical testing. Allele origin: germline.